The following is an entry in ClinVar:

NM_012179.4(FBXO7):c.587A>G (p.Asn196Ser)

Gene: FBXO7 (F-box protein 7; plus strand). Cytogenetic location: 22q12.3.
Variant type: single nucleotide variant.
Coding change: c.587A>G on transcript NM_012179.4 (MANE Select); coding-DNA position 587, A replaced by G.
Protein change: p.Asn196Ser; replaces asparagine 196 with serine.
Molecular consequence: missense variant.
Genome position (GRCh38, 1-based): chr22:32,484,066, A>G. VCF-style: chr22-32484066-A-G. GRCh37 (hg19) VCF-style: chr22-32880053-A-G.
Other names: c.350A>G, p.Asn117Ser (NM_001033024.2); c.245A>G, p.Asn82Ser (NM_001257990.2); short protein forms N82S, N196S, N117S.
Identifiers: ClinVar variation 1898260 (VCV001898260.4), dbSNP rs548204763, ClinGen allele CA10201459.

ClinVar aggregate classification (germline): Uncertain significance (1 of 4 stars; one submission).

Conditions:
Parkinsonian-pyramidal syndrome. Also called: PARKINSON DISEASE 15, AUTOSOMAL RECESSIVE; PARKINSON DISEASE 15, AUTOSOMAL RECESSIVE EARLY-ONSET; PALLIDOPYRAMIDAL SYNDROME. Identifiers: Orphanet 171695, MedGen C1850100, MONDO:0009830, OMIM 260300.

Allele frequency attached by ClinVar (database versions not stated): ExAC 0.00002; TOPMed 0.00003; gnomAD 0.00005; 1000 Genomes Project 0.00020; 1000 Genomes Project 30x 0.00047.

Submission:

Labcorp Genetics (formerly Invitae), Labcorp
Classification: Uncertain significance for Parkinsonian-pyramidal syndrome. Last evaluated: 2024-11-24. Review status: criteria provided, single submitter. Criteria: Invitae Variant Classification Sherloc (09022015). Collection method: clinical testing. Allele origin: germline.
Comment: This sequence change replaces asparagine, which is neutral and polar, with serine, which is neutral and polar, at codon 196 of the FBXO7 protein (p.Asn196Ser). This variant is present in population databases (rs548204763, gnomAD 0.02%). This missense change has been observed in individual(s) with early‐onset Parkinson's disease (PMID: 36879366). ClinVar contains an entry for this variant (Variation ID: 1898260). Invitae Evidence Modeling of protein sequence and biophysical properties (such as structural, functional, and spatial information, amino acid conservation, physicochemical variation, residue mobility, and thermodynamic stability) indicates that this missense variant is not expected to disrupt FBXO7 protein function with a negative predictive value of 80%. In summary, the available evidence is currently insufficient to determine the role of this variant in disease. Therefore, it has been classified as a Variant of Uncertain Significance.

Literature cited by the submitters: PubMed 36879366.